The following is an entry in ClinVar:

NM_017780.4(CHD7):c.5815C>G (p.Arg1939Gly)

Gene: CHD7 (chromodomain helicase DNA binding protein 7; plus strand). Cytogenetic location: 8q12.2.
Variant type: single nucleotide variant.
Coding change: c.5815C>G on transcript NM_017780.4 (MANE Select); coding-DNA position 5815, C replaced by G.
Protein change: p.Arg1939Gly; replaces arginine 1939 with glycine.
Molecular consequence: missense variant. On other transcripts: intron variant (1).
Genome position (GRCh38, 1-based): chr8:60,852,168, C>G. VCF-style: chr8-60852168-C-G. GRCh37 (hg19) VCF-style: chr8-61764727-C-G.
Other names: c.1717-10061C>G (NM_001316690.1); short protein forms R1939G.
Identifiers: ClinVar variation 854742 (VCV000854742.9), dbSNP rs992024213, ClinGen allele CA371323034.

ClinVar aggregate classification (germline): Uncertain significance (1 of 4 stars; one submission).

Conditions:
CHARGE syndrome (CHARGE). Also called: CHARGE ASSOCIATION--COLOBOMA, HEART ANOMALY, CHOANAL ATRESIA, RETARDATION, GENITAL AND EAR ANOMALIES; Coloboma, heart anomaly, choanal atresia, retardation, genital and ear anomalies; CHARGE association; Hall-Hittner syndrome; Hittner Hirsch Kreh syndrome. Identifiers: Orphanet 138, MedGen C0265354, MONDO:0008965.

Allele frequency attached by ClinVar (database versions not stated): TOPMed 0.00004.
gnomAD v4.1: 7 of 1,613,702 alleles (0.00043%); highest among the groups gnomAD compares: African/African-American, 0.0053%; no homozygotes.

Submission:

Labcorp Genetics (formerly Invitae), Labcorp
Classification: Uncertain significance for CHARGE syndrome. Last evaluated: 2023-02-11. Review status: criteria provided, single submitter. Criteria: Invitae Variant Classification Sherloc (09022015). Collection method: clinical testing. Allele origin: germline.
Comment: This sequence change replaces arginine, which is basic and polar, with glycine, which is neutral and non-polar, at codon 1939 of the CHD7 protein (p.Arg1939Gly). This variant is not present in population databases (gnomAD no frequency). This variant has not been reported in the literature in individuals affected with CHD7-related conditions. ClinVar contains an entry for this variant (Variation ID: 854742). Advanced modeling of protein sequence and biophysical properties (such as structural, functional, and spatial information, amino acid conservation, physicochemical variation, residue mobility, and thermodynamic stability) performed at Invitae indicates that this missense variant is not expected to disrupt CHD7 protein function. In summary, the available evidence is currently insufficient to determine the role of this variant in disease. Therefore, it has been classified as a Variant of Uncertain Significance.